The following is an entry in ClinVar:

ClinVar aggregate classification (germline): Uncertain significance (1 of 4 stars; one submission).

Conditions:
Emery-Dreifuss muscular dystrophy 5, autosomal dominant (EDMD5). Also called: EMERY-DREIFUSS MUSCULAR DYSTROPHY 5. Identifiers: Orphanet 261, MedGen C2751805, MONDO:0013072, OMIM 612999.

gnomAD v4.1: 1 of 1,613,996 alleles (0.000062%); highest among the groups gnomAD compares: Non-Finnish European, 0.000085%; no homozygotes.

Submission:

Labcorp Genetics (formerly Invitae), Labcorp
Classification: Uncertain significance for Emery-Dreifuss muscular dystrophy 5, autosomal dominant. Last evaluated: 2025-11-21. Review status: criteria provided, single submitter. Criteria: Invitae Variant Classification Sherloc (09022015). Collection method: clinical testing. Allele origin: germline.
Comment: This sequence change replaces tyrosine, which is neutral and polar, with cysteine, which is neutral and slightly polar, at codon 3646 of the SYNE2 protein (p.Tyr3646Cys). This variant is present in population databases (no rsID available, gnomAD 0.002%). This variant has not been reported in the literature in individuals affected with SYNE2-related conditions. An algorithm developed to predict the effect of missense changes on protein structure and function (PolyPhen-2) suggests that this variant is likely to be disruptive. In summary, the available evidence is currently insufficient to determine the role of this variant in disease. Therefore, it has been classified as a Variant of Uncertain Significance.

NM_182914.3(SYNE2):c.10937A>G (p.Tyr3646Cys)

Gene: SYNE2 (spectrin repeat containing nuclear envelope protein 2; plus strand). Cytogenetic location: 14q23.2.
Variant type: single nucleotide variant.
Coding change: c.10937A>G on transcript NM_182914.3 (MANE Select); coding-DNA position 10937, A replaced by G.
Protein change: p.Tyr3646Cys; replaces tyrosine 3646 with cysteine.
Molecular consequence: missense variant.
Genome position (GRCh38, 1-based): chr14:64,076,015, A>G. VCF-style: chr14-64076015-A-G. GRCh37 (hg19) VCF-style: chr14-64542733-A-G.
Other names: c.10937A>G, p.Tyr3646Cys (NM_015180.6); short protein forms Y3646C.
Identifiers: ClinVar variation 4696744 (VCV004696744.1).